The following is an entry in ClinVar:

ClinVar aggregate classification (germline): Benign. Review status: criteria provided, single submitter (1 of 4 stars). 2 submissions from 2 submitters: Benign (1). 1 of the submissions does not count toward it. Last evaluated 2022-03-24.

Conditions:
CLTCL1-related disorder. Also called: CLTCL1-related condition.

Allele frequency attached by ClinVar (database versions not stated): ESP Exome Variant Server 0.05629; TOPMed 0.06245; gnomAD 0.05899; ExAC 0.06590; 1000 Genomes Project 30x 0.05091; gnomAD exomes 0.06637; 1000 Genomes Project 0.05092.
gnomAD v4.1: 105,695 of 1,613,068 alleles (6.6%); highest among the groups gnomAD compares: Middle Eastern, 11%; 3,694 homozygotes.

Submissions (2):

Mayo Clinic Laboratories, Mayo Clinic
Classification: Benign. Last evaluated: 2022-03-24. Review status: criteria provided, single submitter. Criteria: ACMG Guidelines, 2015. Collection method: clinical testing. Allele origin: germline. Observed: 110 variant alleles.

PreventionGenetics, part of Exact Sciences
Classification: Benign for CLTCL1-related condition. Last evaluated: 2019-03-27. Review status: no assertion criteria provided. Collection method: clinical testing. Allele origin: germline. Not counted in ClinVar's aggregate classification.
Comment: This variant is classified as benign based on ACMG/AMP sequence variant interpretation guidelines (Richards et al. 2015 PMID: 25741868, with internal and published modifications).

NM_007098.4(CLTCL1):c.4181T>C (p.Ile1394Thr)

Gene: CLTCL1 (clathrin heavy chain like 1; minus strand). Cytogenetic location: 22q11.21.
Variant type: single nucleotide variant.
Coding change: c.4181T>C on transcript NM_007098.4 (MANE Select); coding-DNA position 4181, T replaced by C.
Protein change: p.Ile1394Thr; replaces isoleucine 1394 with threonine.
Molecular consequence: missense variant.
Genome position (GRCh38, 1-based): chr22:19,196,276, A>G on the plus strand (T>C on the coding strand, the complement: CLTCL1 is on the minus strand). VCF-style: chr22-19196276-A-G. GRCh37 (hg19) VCF-style: chr22-19183787-A-G.
Other names: p.Ile1394Thr; c.4181T>C, p.Ile1394Thr (NM_001835.4); short protein forms I1394T.
Identifiers: ClinVar variation 3059365 (VCV003059365.3), dbSNP rs1633399, ClinGen allele CA10097843.
Genomic context (GRCh38, chr22:19,196,276, plus strand): 5'-TAGGGCCTGGCAGAGGCTGGCAGGAGCCAGCGCTCTGTATCCCCTCTTACCTTGGTAATG[A>G]TGTCCTTGAACTGACCCTCCTTCCAGGCCTCAGTGGGGTGGCTCATCATGGTGAGCACAG-3'
Protein context (NP_009029.3, residues 1384-1404): EAWKEGQFKD[Ile1394Thr]ITKVANVELC